The following is an entry in ClinVar:

NM_005751.5(AKAP9):c.7924A>G (p.Lys2642Glu)

Gene: AKAP9 (A-kinase anchoring protein 9; plus strand). Cytogenetic location: 7q21.2.
Variant type: single nucleotide variant.
Coding change: c.7924A>G on transcript NM_005751.5 (MANE Select); coding-DNA position 7924, A replaced by G.
Protein change: p.Lys2642Glu; replaces lysine 2642 with glutamic acid.
Molecular consequence: missense variant.
Genome position (GRCh38, 1-based): chr7:92,080,057, A>G. VCF-style: chr7-92080057-A-G. GRCh37 (hg19) VCF-style: chr7-91709371-A-G.
Other names: c.2569A>G, p.Lys857Glu (NM_001379277.1); c.7900A>G, p.Lys2634Glu (NM_147185.3); short protein forms K2634E, K2642E, K857E.
Identifiers: ClinVar variation 3849438 (VCV003849438.1).

ClinVar aggregate classification (germline): Uncertain significance (1 of 4 stars; one submission).

Conditions:
Cardiovascular phenotype. Identifiers: MedGen CN230736.

gnomAD v4.1: 1 of 1,565,584 alleles (0.000064%); highest among the groups gnomAD compares: Non-Finnish European, 0.000086%; no homozygotes.

Submission:

Ambry Genetics
Classification: Uncertain significance for Cardiovascular phenotype. Last evaluated: 2025-01-19. Review status: criteria provided, single submitter. Criteria: Ambry Variant Classification Scheme 2023. Collection method: clinical testing. Allele origin: germline.
Comment: The p.K2642E variant (also known as c.7924A>G), located in coding exon 31 of the AKAP9 gene, results from an A to G substitution at nucleotide position 7924. The lysine at codon 2642 is replaced by glutamic acid, an amino acid with similar properties. This amino acid position is conserved. In addition, this alteration is predicted to be tolerated by in silico analysis. Based on the available evidence, the clinical significance of this variant remains unclear.